The following is an entry in ClinVar:

ClinVar aggregate classification (germline): Uncertain significance. Review status: criteria provided, multiple submitters, no conflicts (2 of 4 stars). 2 submissions from 2 submitters: Uncertain significance (2). Last evaluated 2024-08-27.

Conditions:
CHARGE syndrome (CHARGE). Also called: Coloboma, heart anomaly, choanal atresia, retardation, genital and ear anomalies; CHARGE association; Hall-Hittner syndrome; Hittner Hirsch Kreh syndrome; CHARGE ASSOCIATION--COLOBOMA, HEART ANOMALY, CHOANAL ATRESIA, RETARDATION, GENITAL AND EAR ANOMALIES. Identifiers: Orphanet 138, MedGen C0265354, MONDO:0008965.

Allele frequency attached by ClinVar (database versions not stated): TOPMed below 0.00001; gnomAD 0.00001.
gnomAD v4.1: 2 of 1,517,280 alleles (0.00013%); highest among the groups gnomAD compares: Admixed American, 0.0023%; no homozygotes.

Submissions (2):

Labcorp Genetics (formerly Invitae), Labcorp
Classification: Uncertain significance for CHARGE syndrome. Last evaluated: 2024-08-27. Review status: criteria provided, single submitter. Criteria: Invitae Variant Classification Sherloc (09022015). Collection method: clinical testing. Allele origin: germline.
Comment: This sequence change replaces aspartic acid, which is acidic and polar, with glycine, which is neutral and non-polar, at codon 2247 of the CHD7 protein (p.Asp2247Gly). This variant is not present in population databases (gnomAD no frequency). This variant has not been reported in the literature in individuals affected with CHD7-related conditions. ClinVar contains an entry for this variant (Variation ID: 1707130). Invitae Evidence Modeling of protein sequence and biophysical properties (such as structural, functional, and spatial information, amino acid conservation, physicochemical variation, residue mobility, and thermodynamic stability) indicates that this missense variant is not expected to disrupt CHD7 protein function with a negative predictive value of 95%. In summary, the available evidence is currently insufficient to determine the role of this variant in disease. Therefore, it has been classified as a Variant of Uncertain Significance.

GeneDx
Classification: Uncertain significance. Last evaluated: 2022-03-21. Review status: criteria provided, single submitter. Criteria: GeneDx Variant Classification Process June 2021. Collection method: clinical testing. Allele origin: germline. Affected: yes.
Comment: Not observed at significant frequency in large population cohorts (gnomAD); In silico analysis supports that this missense variant does not alter protein structure/function; Has not been previously published as pathogenic or benign to our knowledge

NM_017780.4(CHD7):c.6740A>G (p.Asp2247Gly)

Gene: CHD7 (chromodomain helicase DNA binding protein 7; plus strand). Cytogenetic location: 8q12.2.
Variant type: single nucleotide variant.
Coding change: c.6740A>G on transcript NM_017780.4 (MANE Select); coding-DNA position 6740, A replaced by G.
Protein change: p.Asp2247Gly; replaces aspartic acid 2247 with glycine.
Molecular consequence: missense variant. On other transcripts: intron variant (1).
Genome position (GRCh38, 1-based): chr8:60,853,465, A>G. VCF-style: chr8-60853465-A-G. GRCh37 (hg19) VCF-style: chr8-61766024-A-G.
Other names: c.1717-8764A>G (NM_001316690.1); short protein forms D2247G.
Identifiers: ClinVar variation 1707130 (VCV001707130.4), dbSNP rs1805569622, ClinGen allele CA371326228.